The following is an entry in ClinVar:

NM_198578.4(LRRK2):c.4655G>T (p.Arg1552Leu)

Gene: LRRK2 (leucine rich repeat kinase 2; plus strand). Cytogenetic location: 12q12.
Variant type: single nucleotide variant.
Coding change: c.4655G>T on transcript NM_198578.4 (MANE Select); coding-DNA position 4655, G replaced by T.
Protein change: p.Arg1552Leu; replaces arginine 1552 with leucine.
Molecular consequence: missense variant.
Genome position (GRCh38, 1-based): chr12:40,314,090, G>T. VCF-style: chr12-40314090-G-T. GRCh37 (hg19) VCF-style: chr12-40707892-G-T.
Other names: short protein forms R1552L.
Identifiers: ClinVar variation 3540648 (VCV003540648.1).

ClinVar aggregate classification (germline): Uncertain significance (1 of 4 stars; one submission).

Conditions:
Inborn genetic diseases. Identifiers: MedGen C0950123, MeSH D030342.

Submission:

Ambry Genetics
Classification: Uncertain significance for Inborn genetic diseases. Last evaluated: 2024-08-31. Review status: criteria provided, single submitter. Criteria: Ambry Variant Classification Scheme 2023. Collection method: clinical testing. Allele origin: germline.
Comment: The p.R1552L variant (also known as c.4655G>T), located in coding exon 32 of the LRRK2 gene, results from a G to T substitution at nucleotide position 4655. The arginine at codon 1552 is replaced by leucine, an amino acid with dissimilar properties. This amino acid position is conserved. In addition, this alteration is predicted to be tolerated by in silico analysis. Based on the available evidence, the clinical significance of this variant remains unclear.